The following is an entry in ClinVar:

NM_138691.3(TMC1):c.2223C>T (p.Asn741=)

Gene: TMC1 (transmembrane channel like 1; plus strand). Cytogenetic location: 9q21.13.
Variant type: single nucleotide variant.
Coding change: c.2223C>T on transcript NM_138691.3 (MANE Select); coding-DNA position 2223, C replaced by T.
Protein change: p.Asn741=; no amino-acid change (asparagine 741 retained).
Molecular consequence: synonymous variant.
Genome position (GRCh38, 1-based): chr9:72,830,645, C>T. VCF-style: chr9-72830645-C-T. GRCh37 (hg19) VCF-style: chr9-75445561-C-T.
Other names: c.2223C>T (NM_138691.2).
Identifiers: ClinVar variation 3022164 (VCV003022164.4), dbSNP rs1262760850, ClinGen allele CA465186858.

ClinVar aggregate classification (germline): Likely benign. Review status: criteria provided, multiple submitters, no conflicts (2 of 4 stars). 2 submissions from 2 submitters: Likely benign (2). Last evaluated 2025-06-15.

Conditions:
TMC1-related disorder. Also called: TMC1-related condition; TMC1-related disorders.

Allele frequency attached by ClinVar (database versions not stated): TOPMed 0.00002; gnomAD 0.00003; gnomAD exomes 0.00005.
gnomAD v4.1: 81 of 1,612,728 alleles (0.005%); highest among the groups gnomAD compares: Non-Finnish European, 0.0068%; no homozygotes.

Submissions (2):

PreventionGenetics, part of Exact Sciences
Classification: Likely benign for TMC1-related condition. Last evaluated: 2025-06-15. Review status: criteria provided, single submitter. Criteria: ACMG Guidelines, 2015. Collection method: clinical testing. Allele origin: germline.
Comment: This variant is classified as likely benign based on ACMG/AMP sequence variant interpretation guidelines (Richards et al. 2015 PMID: 25741868, with internal and published modifications).

Labcorp Genetics (formerly Invitae), Labcorp
Classification: Likely benign. Last evaluated: 2023-12-09. Review status: criteria provided, single submitter. Criteria: Invitae Variant Classification Sherloc (09022015). Collection method: clinical testing. Allele origin: germline.